The following is an entry in ClinVar:

NC_000005.10:g.112707484C>A

Genes: APC (APC regulator of Wnt signaling pathway; plus strand), LOC129994371 (ATAC-STARR-seq lymphoblastoid active region 22910; plus strand). Cytogenetic location: 5q22.2.
Variant type: single nucleotide variant.
Genome position: GRCh38 VCF-style: chr5-112707484-C-A. GRCh37 (hg19) VCF-style: chr5-112043181-C-A.
Other names: c.-234C>A (NM_001354897.2).
Identifiers: ClinVar variation 3644822 (VCV003644822.2).

ClinVar aggregate classification (germline): Uncertain significance. Review status: criteria provided, multiple submitters, no conflicts (2 of 4 stars). 2 submissions from 2 submitters: Uncertain significance (2). Last evaluated 2025-12-29.

Conditions:
Familial adenomatous polyposis 1 (FAP1). Also called: FAMILIAL ADENOMATOUS POLYPOSIS 1, ATTENUATED; POLYPOSIS, ADENOMATOUS INTESTINAL. Identifiers: MedGen C2713442, MONDO:0021056, OMIM 175100. Disease mechanism: loss of function.

Submissions (2):

Center for Genomic Medicine, Rigshospitalet, Copenhagen University Hospital
Classification: Uncertain significance. Last evaluated: 2025-12-29. Review status: criteria provided, single submitter. Criteria: ACMG Guidelines, 2015. Collection method: clinical testing. Allele origin: germline.

Labcorp Genetics (formerly Invitae), Labcorp
Classification: Uncertain significance for Familial adenomatous polyposis 1. Last evaluated: 2024-03-06. Review status: criteria provided, single submitter. Criteria: Invitae Variant Classification Sherloc (09022015). Collection method: clinical testing. Allele origin: germline.
Comment: This variant occurs in a non-coding region of the APC gene. It does not change the encoded amino acid sequence of the APC protein. This variant is not present in population databases (gnomAD no frequency). This variant has not been reported in the literature in individuals affected with APC-related conditions. Experimental studies and prediction algorithms are not available or were not evaluated, and the functional significance of this variant is currently unknown. In summary, the available evidence is currently insufficient to determine the role of this variant in disease. Therefore, it has been classified as a Variant of Uncertain Significance.